The following is an entry in ClinVar:

ClinVar aggregate classification (germline): Pathogenic (1 of 4 stars; one submission).

Conditions:
Severe myoclonic epilepsy in infancy (DRVT). Also called: Epileptic encephalopathy, early infantile, 6 (Dravet syndrome); SEVERE MYOCLONIC EPILEPSY OF INFANCY; DEVELOPMENTAL AND EPILEPTIC ENCEPHALOPATHY 6A; Severe Myoclonic Epilepsy in Infancy (SMEI); Dravet syndrome. Identifiers: Orphanet 33069, MedGen C0751122, MONDO:0100135, OMIM 607208.

Submission:

Center for Bioinformatics, Peking University
Classification: Pathogenic for Dravet syndrome. Last evaluated: 2014-12-20. Review status: criteria provided, single submitter. Criteria: Xu et al. (Hum Mutat. 2015). Collection method: research. Allele origin: de novo. Affected: yes. Observed: 1 variant allele. Study: University Clinical Cooperation “985 Project” PKU-2014-1-1.
Comment: Dravet syndrome (DS) probands were recruited from the outpatient and inpatient child neurology units of Peking University First Hospital from 2005 till present. The study was approved by the Ethics Committee of Peking University First Hospital and the Institutional Review Board at Peking University. Participants or their parents provided written informed consent before enrollment. We collected a total of 267 mutations from 255 families with probands diagnosed with DS in China. All probands fulfilled the clinical diagnostic criteria.

NM_001165963.4(SCN1A):c.4044G>A (p.Met1348Ile)

Genes: SCN1A (sodium voltage-gated channel alpha subunit 1; minus strand), LOC102724058 (uncharacterized LOC102724058; plus strand). Cytogenetic location: 2q24.3.
Variant type: single nucleotide variant.
Coding change: c.4044G>A on transcript NM_001165963.4 (MANE Select); coding-DNA position 4044, G replaced by A.
Protein change: p.Met1348Ile; replaces methionine 1348 with isoleucine.
Molecular consequence: missense variant. On other transcripts: non-coding transcript variant (1).
Genome position (GRCh38, 1-based): chr2:166,002,712, C>T on the plus strand (G>A on the coding strand, the complement: SCN1A is on the minus strand). VCF-style: chr2-166002712-C-T. GRCh37 (hg19) VCF-style: chr2-166859222-C-T.
Other names: c.3960G>A, p.Met1320Ile (NM_001165964.3, NM_001353957.2, NM_001353958.2); c.4044G>A, p.Met1348Ile (NM_001202435.3, NM_001353948.2); c.4011G>A, p.Met1337Ile (NM_001353949.2, NM_001353950.2, NM_001353951.2 and 2 more transcripts); c.4008G>A, p.Met1336Ile (NM_001353954.2, NM_001353955.2); c.3957G>A, p.Met1319Ile (NM_001353960.2); c.1602G>A, p.Met534Ile (NM_001353961.2); short protein forms M1337I, M1348I, M1319I, M1320I, M1336I, M534I.
Identifiers: ClinVar variation 189991 (VCV000189991.1), dbSNP rs794726822, ClinGen allele CA303495.